The following is an entry in ClinVar:

NM_182961.4(SYNE1):c.23207A>G (p.Asp7736Gly)

Gene: SYNE1 (spectrin repeat containing nuclear envelope protein 1; minus strand). Cytogenetic location: 6q25.2.
Variant type: single nucleotide variant.
Coding change: c.23207A>G on transcript NM_182961.4 (MANE Select); coding-DNA position 23207, A replaced by G.
Protein change: p.Asp7736Gly; replaces aspartic acid 7736 with glycine.
Molecular consequence: missense variant.
Genome position (GRCh38, 1-based): chr6:152,189,346, T>C on the plus strand (A>G on the coding strand, the complement: SYNE1 is on the minus strand). VCF-style: chr6-152189346-T-C. GRCh37 (hg19) VCF-style: chr6-152510481-T-C.
Other names: c.22994A>G, p.Asp7665Gly (NM_033071.5); short protein forms D7665G, D7736G.
Identifiers: ClinVar variation 2506597 (VCV002506597.1), dbSNP rs2071515617, ClinGen allele CA366094274.

ClinVar aggregate classification (germline): Uncertain significance (1 of 4 stars; one submission).

Allele frequency attached by ClinVar (database versions not stated): gnomAD 0.00001.
gnomAD v4.1: 1 of 1,614,010 alleles (0.000062%); highest among the groups gnomAD compares: African/African-American, 0.0013%; no homozygotes.

Submission:

GeneDx
Classification: Uncertain significance. Last evaluated: 2022-12-21. Review status: criteria provided, single submitter. Criteria: GeneDx Variant Classification Process June 2021. Collection method: clinical testing. Allele origin: germline. Affected: yes.
Comment: Not observed at significant frequency in large population cohorts (gnomAD); In silico analysis supports that this missense variant has a deleterious effect on protein structure/function; Has not been previously published as pathogenic or benign to our knowledge